The following is an entry in ClinVar:

NM_005901.6(SMAD2):c.236+10G>T

Gene: SMAD2 (SMAD family member 2; minus strand). Cytogenetic location: 18q21.1.
Variant type: single nucleotide variant.
Coding change: c.236+10G>T on transcript NM_005901.6 (MANE Select); 10 bases into the intron after coding-DNA position 236, G replaced by T.
Molecular consequence: intron variant.
Genome position (GRCh38, 1-based): chr18:47,896,511, C>A on the plus strand (G>T on the coding strand, the complement: SMAD2 is on the minus strand). VCF-style: chr18-47896511-C-A. GRCh37 (hg19) VCF-style: chr18-45422882-C-A.
Other names: p.?; c.236+10G>T (NM_001135937.3, NM_001003652.4).
Identifiers: ClinVar variation 1662955 (VCV001662955.9), dbSNP rs372032894, ClinGen allele CA8956333.

ClinVar aggregate classification (germline): Benign/Likely benign. Review status: criteria provided, multiple submitters, no conflicts (2 of 4 stars). 2 submissions from 2 submitters: Benign (1); Likely benign (1). Last evaluated 2025-12-16.

Allele frequency attached by ClinVar (database versions not stated): gnomAD exomes 0.00004 and 0.00008; ExAC 0.00012; 1000 Genomes Project 30x 0.00016; 1000 Genomes Project 0.00020; gnomAD 0.00033 and 0.00036; TOPMed 0.00040; ESP Exome Variant Server 0.00085.

Submissions (2):

Labcorp Genetics (formerly Invitae), Labcorp
Classification: Benign. Last evaluated: 2025-12-16. Review status: criteria provided, single submitter. Criteria: Invitae Variant Classification Sherloc (09022015). Collection method: clinical testing. Allele origin: germline.

Mayo Clinic Laboratories, Mayo Clinic
Classification: Likely benign. Last evaluated: 2025-04-21. Review status: criteria provided, single submitter. Criteria: ACMG Guidelines, 2015. Collection method: clinical testing. Allele origin: germline. Observed: 1 variant allele.
Comment: BS1, BP4, BP7